The following is an entry in ClinVar:

ClinVar aggregate classification (germline): Pathogenic (1 of 4 stars; one submission).

Submission:

GeneDx
Classification: Pathogenic. Last evaluated: 2018-08-08. Review status: criteria provided, single submitter. Criteria: GeneDx Variant Classification (06012015). Collection method: clinical testing. Allele origin: germline. Affected: yes.
Comment: C1733G variant in the FBN1 gene has not been reported previously as a disease-causing variant nor as a benign polymorphism, to our knowledge. The C1733G variant was not observed in approximately 6,500 individuals of European and African American ancestry in the NHLBI Exome Sequencing Project, indicating it is not a common benign variant in these populations. The C1733G variant is a non-conservative amino acid substitution, which is likely to impact secondary protein structure as these residues differ in polarity, charge, size and/or other properties. This substitution occurs at a position that is highly evolutionarily conservedacross species, is located within a known functional domain of the protein, and removes a C residue that would normally become part of a disulfide bond between residues 1706 and 1733 (Le Goff et al., 2011; Collod-Beroud et al, UMD-FBN1 mutation database). In silico analysis predicts this variant is probably damaging to the protein structure/function. As an alternate mechanism, some splice predictor models indicate that this sequence change may create a new cryptic splice donor site that is weaker than the natural donor site, which may cause abnormal gene splicing. While the C1733G variant has not previously been described, another variant at this residue (C1733Y) has been described as a de novo sequence change in a patient with geleophysic dysplasia (Le Goff et al., 2011). Other missense variant in nearby residues have been reported in association with geleophysic dysplasia (C1721G, A1728T, A1728V, G1762S) and other FBN1-related disorders. We interpret C1733G as a disease-causing variant.

NM_000138.5(FBN1):c.5197T>G (p.Cys1733Gly)

Gene: FBN1 (fibrillin 1; minus strand). Cytogenetic location: 15q21.1.
Variant type: single nucleotide variant.
Coding change: c.5197T>G on transcript NM_000138.5 (MANE Select); coding-DNA position 5197, T replaced by G.
Protein change: p.Cys1733Gly; replaces cysteine 1733 with glycine.
Molecular consequence: missense variant.
Genome position (GRCh38, 1-based): chr15:48,463,109, A>C on the plus strand (T>G on the coding strand, the complement: FBN1 is on the minus strand). VCF-style: chr15-48463109-A-C. GRCh37 (hg19) VCF-style: chr15-48755306-A-C.
Other names: p.C1733G:TGT>GGT; short protein forms C1733G.
Identifiers: ClinVar variation 200061 (VCV000200061.2), dbSNP rs794728235, ClinGen allele CA015699.